The following is an entry in ClinVar:

NM_001042492.3(NF1):c.1735T>C (p.Phe579Leu)

Gene: NF1 (neurofibromin 1; plus strand). Cytogenetic location: 17q11.2.
Variant type: single nucleotide variant.
Coding change: c.1735T>C on transcript NM_001042492.3 (MANE Select); coding-DNA position 1735, T replaced by C.
Protein change: p.Phe579Leu; replaces phenylalanine 579 with leucine.
Molecular consequence: missense variant.
Genome position (GRCh38, 1-based): chr17:31,223,457, T>C. VCF-style: chr17-31223457-T-C. GRCh37 (hg19) VCF-style: chr17-29550475-T-C.
Other names: c.1735T>C, p.Phe579Leu (NM_000267.4); short protein forms F579L.
Identifiers: ClinVar variation 1042030 (VCV001042030.5), dbSNP rs2066962078, ClinGen allele CA399004021.

ClinVar aggregate classification (germline): Uncertain significance (1 of 4 stars; one submission).

Conditions:
Neurofibromatosis, type 1 (NF1). Also called: VON RECKLINGHAUSEN DISEASE; NEUROFIBROMATOSIS, TYPE I, SOMATIC; Peripheral type neurofibromatosis; Neurofibromatosis, type I. Identifiers: Orphanet 636, MedGen C0027831, MONDO:0018975, OMIM 162200. Disease mechanism: loss of function.

Allele frequency attached by ClinVar (database versions not stated): gnomAD exomes below 0.00001.
gnomAD v4.1: 1 of 1,612,518 alleles (0.000062%); highest among the groups gnomAD compares: Non-Finnish European, 0.000085%; no homozygotes.

Submission:

Labcorp Genetics (formerly Invitae), Labcorp
Classification: Uncertain significance for Neurofibromatosis, type 1. Last evaluated: 2023-12-11. Review status: criteria provided, single submitter. Criteria: Invitae Variant Classification Sherloc (09022015). Collection method: clinical testing. Allele origin: germline.
Comment: This sequence change replaces phenylalanine, which is neutral and non-polar, with leucine, which is neutral and non-polar, at codon 579 of the NF1 protein (p.Phe579Leu). This variant is not present in population databases (gnomAD no frequency). This variant has not been reported in the literature in individuals affected with NF1-related conditions. ClinVar contains an entry for this variant (Variation ID: 1042030). Advanced modeling of protein sequence and biophysical properties (such as structural, functional, and spatial information, amino acid conservation, physicochemical variation, residue mobility, and thermodynamic stability) performed at Invitae indicates that this missense variant is not expected to disrupt NF1 protein function with a negative predictive value of 95%. In summary, the available evidence is currently insufficient to determine the role of this variant in disease. Therefore, it has been classified as a Variant of Uncertain Significance.